The following is an entry in ClinVar:

ClinVar aggregate classification (germline): Uncertain significance. Review status: criteria provided, multiple submitters, no conflicts (2 of 4 stars). 2 submissions from 2 submitters: Uncertain significance (2). Last evaluated 2024-12-13.

Conditions:
Amyotrophic lateral sclerosis type 1 (ALS1). Also called: AMYOTROPHIC LATERAL SCLEROSIS 1, FAMILIAL. Identifiers: Orphanet 803, MedGen C1862939, MONDO:0007103, OMIM 105400.
Perry syndrome. Also called: PARKINSONISM WITH ALVEOLAR HYPOVENTILATION AND MENTAL DEPRESSION. Identifiers: Orphanet 178509, MedGen C1868594, MONDO:0008201, OMIM 168605.
Neuronopathy, distal hereditary motor, type 7B. Also called: Distal Hereditary Motor Neuronopathy Type 7B (dHMN7B); NEURONOPATHY, DISTAL HEREDITARY MOTOR, AUTOSOMAL DOMINANT 14; NEURONOPATHY, DISTAL HEREDITARY MOTOR, HARDING TYPE VIIB; NEUROPATHY, DISTAL HEREDITARY MOTOR, HARDING TYPE VIIB; NEUROPATHY, DISTAL HEREDITARY MOTOR, WITH VOCAL CORD PARALYSIS, HARDING TYPE VIIB; HMN VIIB. Identifiers: Orphanet 139589, MedGen C1843315, MONDO:0011879, OMIM 607641.

Allele frequency attached by ClinVar (database versions not stated): gnomAD exomes below 0.00001 and 0.00001.
gnomAD v4.1: 3 of 1,614,264 alleles (0.00019%); highest among the groups gnomAD compares: Non-Finnish European, 0.00025%; no homozygotes.

Submissions (2):

Labcorp Genetics (formerly Invitae), Labcorp
Classification: Uncertain significance for Amyotrophic lateral sclerosis type 1; Neuronopathy, distal hereditary motor, type 7B; Perry syndrome. Last evaluated: 2024-12-13. Review status: criteria provided, single submitter. Criteria: Invitae Variant Classification Sherloc (09022015). Collection method: clinical testing. Allele origin: germline.
Comment: This sequence change replaces cysteine, which is neutral and slightly polar, with arginine, which is basic and polar, at codon 791 of the DCTN1 protein (p.Cys791Arg). This variant is present in population databases (no rsID available, gnomAD 0.0009%). This variant has not been reported in the literature in individuals affected with DCTN1-related conditions. ClinVar contains an entry for this variant (Variation ID: 852663). Invitae Evidence Modeling of protein sequence and biophysical properties (such as structural, functional, and spatial information, amino acid conservation, physicochemical variation, residue mobility, and thermodynamic stability) indicates that this missense variant is not expected to disrupt DCTN1 protein function with a negative predictive value of 95%. In summary, the available evidence is currently insufficient to determine the role of this variant in disease. Therefore, it has been classified as a Variant of Uncertain Significance.

Mayo Clinic Laboratories, Mayo Clinic
Classification: Uncertain significance. Last evaluated: 2023-11-07. Review status: criteria provided, single submitter. Criteria: ACMG Guidelines, 2015. Collection method: clinical testing. Allele origin: germline. Observed: 1 variant allele.
Comment: PP3

NM_004082.5(DCTN1):c.2371T>C (p.Cys791Arg)

Gene: DCTN1 (dynactin subunit 1; minus strand). Cytogenetic location: 2p13.1.
Variant type: single nucleotide variant.
Coding change: c.2371T>C on transcript NM_004082.5 (MANE Select); coding-DNA position 2371, T replaced by C.
Protein change: p.Cys791Arg; replaces cysteine 791 with arginine.
Molecular consequence: missense variant. On other transcripts: non-coding transcript variant (1).
Genome position (GRCh38, 1-based): chr2:74,366,878, A>G on the plus strand (T>C on the coding strand, the complement: DCTN1 is on the minus strand). VCF-style: chr2-74366878-A-G. GRCh37 (hg19) VCF-style: chr2-74594005-A-G.
Other names: p.Cys791Arg; c.2311T>C, p.Cys771Arg (NM_001135040.3); c.1969T>C, p.Cys657Arg (NM_001135041.3, NM_023019.4); c.2260T>C, p.Cys754Arg (NM_001190836.2); c.2350T>C, p.Cys784Arg (NM_001190837.2); c.2320T>C, p.Cys774Arg (NM_001378991.1); c.2302T>C, p.Cys768Arg (NM_001378992.1); short protein forms C657R, C791R, C754R, C771R, C784R, C768R, C774R.
Identifiers: ClinVar variation 852663 (VCV000852663.11), dbSNP rs1297844991, ClinGen allele CA347347648.